The following is an entry in ClinVar:

ClinVar aggregate classification (germline): Uncertain significance (1 of 4 stars; one submission).

Conditions:
Aicardi-Goutieres syndrome 7 (AGS7). Identifiers: Orphanet 51, MedGen C3888244, MONDO:0014367, OMIM 615846.
Singleton-Merten syndrome 1 (SGMRT1). Also called: Widened medullary cavities of bone, aortic calcification, abnormal dentition, and muscular weakness; Syndrome of widened medullary cavities of the metacarpals and phalanges, aortic calcification and abnormal dentition. Identifiers: Orphanet 85191, MedGen C4225427, MONDO:0024535, OMIM 182250.

Allele frequency attached by ClinVar (database versions not stated): gnomAD exomes below 0.00001.
gnomAD v4.1: 6 of 1,548,842 alleles (0.00039%); highest among the groups gnomAD compares: Non-Finnish European, 0.00045%; no homozygotes.

Submission:

Labcorp Genetics (formerly Invitae), Labcorp
Classification: Uncertain significance for Aicardi-Goutieres syndrome 7; Singleton-Merten syndrome 1. Last evaluated: 2019-12-30. Review status: criteria provided, single submitter. Criteria: Invitae Variant Classification Sherloc (09022015). Collection method: clinical testing. Allele origin: germline.
Comment: This sequence change replaces asparagine with serine at codon 512 of the IFIH1 protein (p.Asn512Ser). The asparagine residue is highly conserved and there is a small physicochemical difference between asparagine and serine. In summary, the available evidence is currently insufficient to determine the role of this variant in disease. Therefore, it has been classified as a Variant of Uncertain Significance. Algorithms developed to predict the effect of missense changes on protein structure and function output the following: SIFT: "Tolerated"; PolyPhen-2: "Benign"; Align-GVGD: "Class C0". The serine amino acid residue is found in multiple mammalian species, suggesting that this missense change does not adversely affect protein function. These predictions have not been confirmed by published functional studies and their clinical significance is uncertain. This variant has not been reported in the literature in individuals with IFIH1-related conditions. This variant is present in population databases (rs370753836, ExAC 0.003%).

NM_022168.4(IFIH1):c.1535A>G (p.Asn512Ser)

Gene: IFIH1 (interferon induced with helicase C domain 1; minus strand). Cytogenetic location: 2q24.2.
Variant type: single nucleotide variant.
Coding change: c.1535A>G on transcript NM_022168.4 (MANE Select); coding-DNA position 1535, A replaced by G.
Protein change: p.Asn512Ser; replaces asparagine 512 with serine.
Molecular consequence: missense variant.
Genome position (GRCh38, 1-based): chr2:162,280,102, T>C on the plus strand (A>G on the coding strand, the complement: IFIH1 is on the minus strand). VCF-style: chr2-162280102-T-C. GRCh37 (hg19) VCF-style: chr2-163136612-T-C.
Other names: short protein forms N512S.
Identifiers: ClinVar variation 857407 (VCV000857407.10), dbSNP rs370753836, ClinGen allele CA1934488.
Genomic context (GRCh38, chr2:162,280,102, plus strand): 5'-ATTTGGTTTTTCAGTTGATCAAGGTTTTCTTTAACAGTTTTAATAGTAAATGCATCAAGA[T>C]TGGCACATAGCTGGAAAAGAGACATTTTTCAATATTTATGCAATTATTTTTCCCTTTCAC-3'
Protein context (NP_071451.2, residues 502-522): AEEHILKLCA[Asn512Ser]LDAFTIKTVK